The following is an entry in ClinVar:

NM_001164508.2(NEB):c.19583A>C (p.Gln6528Pro)

Genes: NEB (nebulin; minus strand), LOC126806373 (BRD4-independent group 4 enhancer GRCh37_chr2:152410007-152411206; plus strand). Cytogenetic location: 2q23.3.
Variant type: single nucleotide variant.
Coding change: c.19583A>C on transcript NM_001164508.2 (MANE Select); coding-DNA position 19583, A replaced by C.
Protein change: p.Gln6528Pro; replaces glutamine 6528 with proline.
Molecular consequence: missense variant.
Genome position (GRCh38, 1-based): chr2:151,553,871, T>G on the plus strand (A>C on the coding strand, the complement: NEB is on the minus strand). VCF-style: chr2-151553871-T-G. GRCh37 (hg19) VCF-style: chr2-152410385-T-G.
Other names: c.19583A>C, p.Gln6528Pro (NM_001164507.2, NM_001271208.2); c.14480A>C, p.Gln4827Pro (NM_004543.5); short protein forms Q4827P, Q6528P.
Identifiers: ClinVar variation 1524251 (VCV001524251.8), dbSNP rs2153660026, ClinGen allele CA348790831.

ClinVar aggregate classification (germline): Uncertain significance (1 of 4 stars; one submission).

Conditions:
Nemaline myopathy 2 (NEM2). Also called: Nemaline myopathy 2, autosomal recessive. Identifiers: MedGen C1850569, MONDO:0009725, OMIM 256030.

gnomAD v4.1: 9 of 1,613,686 alleles (0.00056%); highest among the groups gnomAD compares: South Asian, 0.0011%; no homozygotes.

Submission:

Labcorp Genetics (formerly Invitae), Labcorp
Classification: Uncertain significance for Nemaline myopathy 2. Last evaluated: 2021-02-12. Review status: criteria provided, single submitter. Criteria: Invitae Variant Classification Sherloc (09022015). Collection method: clinical testing. Allele origin: germline.
Comment: In summary, the available evidence is currently insufficient to determine the role of this variant in disease. Therefore, it has been classified as a Variant of Uncertain Significance. Algorithms developed to predict the effect of missense changes on protein structure and function are either unavailable or do not agree on the potential impact of this missense change (SIFT: "Deleterious"; PolyPhen-2: "Not Available"; Align-GVGD: "Class C0"). This variant has not been reported in the literature in individuals with NEB-related conditions. This variant is not present in population databases (ExAC no frequency). This sequence change replaces glutamine with proline at codon 6528 of the NEB protein (p.Gln6528Pro). The glutamine residue is moderately conserved and there is a moderate physicochemical difference between glutamine and proline.